The following is an entry in ClinVar:

NM_005477.3(HCN4):c.487G>A (p.Ala163Thr)

Gene: HCN4 (hyperpolarization activated cyclic nucleotide gated potassium channel 4; minus strand). Cytogenetic location: 15q24.1.
Variant type: single nucleotide variant.
Coding change: c.487G>A on transcript NM_005477.3 (MANE Select); coding-DNA position 487, G replaced by A.
Protein change: p.Ala163Thr; replaces alanine 163 with threonine.
Molecular consequence: missense variant.
Genome position (GRCh38, 1-based): chr15:73,367,784, C>T on the plus strand (G>A on the coding strand, the complement: HCN4 is on the minus strand). VCF-style: chr15-73367784-C-T. GRCh37 (hg19) VCF-style: chr15-73660125-C-T.
Other names: short protein forms A163T.
Identifiers: ClinVar variation 2175472 (VCV002175472.4), dbSNP rs2549080315, ClinGen allele CA393097874.

ClinVar aggregate classification (germline): Uncertain significance (1 of 4 stars; one submission).

Conditions:
Brugada syndrome 8 (BRGDA8). Identifiers: Orphanet 130, MedGen C2751083, MONDO:0013148, OMIM 613123.

gnomAD v4.1: 1 of 1,445,786 alleles (0.000069%); no homozygotes.

Submission:

Labcorp Genetics (formerly Invitae), Labcorp
Classification: Uncertain significance for Brugada syndrome 8. Last evaluated: 2024-02-17. Review status: criteria provided, single submitter. Criteria: Invitae Variant Classification Sherloc (09022015). Collection method: clinical testing. Allele origin: germline.
Comment: This sequence change replaces alanine, which is neutral and non-polar, with threonine, which is neutral and polar, at codon 163 of the HCN4 protein (p.Ala163Thr). This variant is not present in population databases (gnomAD no frequency). This variant has not been reported in the literature in individuals affected with HCN4-related conditions. ClinVar contains an entry for this variant (Variation ID: 2175472). Advanced modeling of protein sequence and biophysical properties (such as structural, functional, and spatial information, amino acid conservation, physicochemical variation, residue mobility, and thermodynamic stability) performed at Invitae indicates that this missense variant is not expected to disrupt HCN4 protein function with a negative predictive value of 95%. In summary, the available evidence is currently insufficient to determine the role of this variant in disease. Therefore, it has been classified as a Variant of Uncertain Significance.